The following is an entry in ClinVar:

NM_001378457.1(DMXL2):c.7542A>G (p.Thr2514=)

Gene: DMXL2 (Dmx like 2; minus strand). Cytogenetic location: 15q21.2.
Variant type: single nucleotide variant.
Coding change: c.7542A>G on transcript NM_001378457.1 (MANE Select); coding-DNA position 7542, A replaced by G.
Protein change: p.Thr2514=; no amino-acid change (threonine 2514 retained).
Molecular consequence: synonymous variant. On other transcripts: non-coding transcript variant (2), intron variant (1).
Genome position (GRCh38, 1-based): chr15:51,465,630, T>C on the plus strand (A>G on the coding strand, the complement: DMXL2 is on the minus strand). VCF-style: chr15-51465630-T-C. GRCh37 (hg19) VCF-style: chr15-51757827-T-C.
Other names: c.7542A>G, p.Thr2514= (NM_001174116.3, NM_001378461.1, NM_001378463.1); c.5631A>G, p.Thr1877= (NM_001174117.3); c.7539A>G, p.Thr2513= (NM_001378458.1, NM_001378462.1, NM_015263.5); c.5520A>G, p.Thr1840= (NM_001378460.1); c.7299A>G, p.Thr2433= (NM_001378464.1); c.7520+554A>G (NM_001378459.1).
Identifiers: ClinVar variation 722987 (VCV000722987.37), dbSNP rs139788071, ClinGen allele CA7561283.

ClinVar aggregate classification (germline): Benign/Likely benign. Review status: criteria provided, multiple submitters, no conflicts (2 of 4 stars). 6 submissions from 6 submitters: Benign (3); Likely benign (2). 1 of the submissions does not count toward it. Last evaluated 2026-02-03.

Conditions:
DMXL2-related disorder. Also called: DMXL2-related condition.

Allele frequency attached by ClinVar (database versions not stated): gnomAD exomes 0.00020 and 0.00052; ExAC 0.00073; 1000 Genomes Project 0.00200; 1000 Genomes Project 30x 0.00203; gnomAD 0.00215 and 0.00232; TOPMed 0.00258; ESP Exome Variant Server 0.00285.
gnomAD v4.1: 635 of 1,603,512 alleles (0.04%); highest among the groups gnomAD compares: African/African-American, 0.78%; 3 homozygotes.

Submissions (6):

Labcorp Genetics (formerly Invitae), Labcorp
Classification: Benign. Last evaluated: 2026-02-03. Review status: criteria provided, single submitter. Criteria: Invitae Variant Classification Sherloc (09022015). Collection method: clinical testing. Allele origin: germline.

Blueprint Genetics
Classification: Likely benign. Last evaluated: 2024-07-22. Review status: criteria provided, single submitter. Criteria: ACMG Guidelines, 2015. Collection method: clinical testing. Allele origin: germline.

ARUP Laboratories, Molecular Genetics and Genomics, ARUP Laboratories
Classification: Benign. Last evaluated: 2024-06-28. Review status: criteria provided, single submitter. Criteria: ARUP Molecular Germline Variant Investigation Process 2024. Collection method: clinical testing. Allele origin: germline.

CeGaT Center for Human Genetics Tuebingen
Classification: Likely benign. Last evaluated: 2023-01-01. Review status: criteria provided, single submitter. Criteria: CeGaT Center For Human Genetics Tuebingen Variant Classification Criteria Version 2. Collection method: clinical testing. Allele origin: germline. Affected: yes. Observed: 1 variant allele.
Comment: DMXL2: BP4, BP7

Breakthrough Genomics
Classification: Benign. Review status: criteria provided, single submitter. Criteria: ACMG Guidelines, 2015. Collection method: not provided. Allele origin: germline. Inheritance: Autosomal recessive inheritance. Affected: yes.

PreventionGenetics, part of Exact Sciences
Classification: Benign for DMXL2-related condition. Last evaluated: 2019-12-18. Review status: no assertion criteria provided. Collection method: clinical testing. Allele origin: germline. Not counted in ClinVar's aggregate classification.
Comment: This variant is classified as benign based on ACMG/AMP sequence variant interpretation guidelines (Richards et al. 2015 PMID: 25741868, with internal and published modifications).